The following is an entry in ClinVar:

NM_000390.4(CHM):c.1336del (p.Arg446fs)

Gene: CHM (CHM Rab escort protein; minus strand). Cytogenetic location: Xq21.2.
Variant type: Deletion.
Coding change: c.1336del on transcript NM_000390.4 (MANE Select); coding-DNA position 1336, one base deleted (C; older notation c.1336delC).
Protein change: p.Arg446fs; shifts the reading frame from arginine 446.
Molecular consequence: frameshift variant.
Genome position (GRCh38, 1-based): chrX:85,901,097, G deleted on the plus strand (C on the coding strand, the reverse complement: CHM is on the minus strand). VCF-style (leftmost placement, unchanged base first): chrX-85901096-CG-C. GRCh37 (hg19) VCF-style: chrX-85156101-CG-C.
Other names: c.892del, p.Arg298fs (NM_001320959.1, NM_001362517.1, NM_001362518.2 and 1 more transcripts); short protein forms R298fs, R446fs.
Identifiers: ClinVar variation 966361 (VCV000966361.7), dbSNP rs1926253608, ClinGen allele CA1139667707.

ClinVar aggregate classification (germline): Pathogenic (1 of 4 stars; one submission).

Submission:

Labcorp Genetics (formerly Invitae), Labcorp
Classification: Pathogenic. Last evaluated: 2022-12-24. Review status: criteria provided, single submitter. Criteria: Invitae Variant Classification Sherloc (09022015). Collection method: clinical testing. Allele origin: germline.
Comment: For these reasons, this variant has been classified as Pathogenic. ClinVar contains an entry for this variant (Variation ID: 966361). This variant has not been reported in the literature in individuals affected with CHM-related conditions. This variant is not present in population databases (gnomAD no frequency). This sequence change creates a premature translational stop signal (p.Arg446Valfs*12) in the CHM gene. It is expected to result in an absent or disrupted protein product. Loss-of-function variants in CHM are known to be pathogenic (PMID: 9067750, 23811034).

Literature cited by the submitters: PubMed 9067750; PubMed 23811034.